The following is an entry in ClinVar:

ClinVar aggregate classification (germline): Benign/Likely benign. Review status: criteria provided, multiple submitters, no conflicts (2 of 4 stars). 4 submissions from 4 submitters: Benign (1); Likely benign (3). Last evaluated 2026-01-10.

Conditions:
Multiple endocrine neoplasia, type 1 (MEN1). Also called: MEN I; WERMER SYNDROME; Endocrine adenomatosis multiple; MEN 1; MEA I. Identifiers: Orphanet 652, MedGen C0025267, MeSH D018761, MONDO:0007540, OMIM 131100.
Hereditary cancer-predisposing syndrome. Also called: Neoplastic Syndromes, Hereditary; Tumor predisposition; Hereditary neoplastic syndrome; Hereditary Cancer Syndrome. Identifiers: Orphanet 140162, MedGen C0027672, MeSH D009386, MONDO:0015356.

Allele frequency attached by ClinVar (database versions not stated): gnomAD exomes below 0.00001 and 0.00001.
gnomAD v4.1: 8 of 1,614,196 alleles (0.0005%); highest among the groups gnomAD compares: Non-Finnish European, 0.00068%; no homozygotes.

Submissions (4):

Labcorp Genetics (formerly Invitae), Labcorp
Classification: Likely benign for Multiple endocrine neoplasia, type 1. Last evaluated: 2026-01-10. Review status: criteria provided, single submitter. Criteria: Invitae Variant Classification Sherloc (09022015). Collection method: clinical testing. Allele origin: germline.

Color Diagnostics, LLC DBA Color Health
Classification: Likely benign for Multiple endocrine neoplasia, type 1. Last evaluated: 2025-06-17. Review status: criteria provided, single submitter. Criteria: ACMG Guidelines, 2015. Collection method: clinical testing. Allele origin: germline.

Myriad Genetics, Inc.
Classification: Benign for Multiple endocrine neoplasia, type 1. Last evaluated: 2024-11-04. Review status: criteria provided, single submitter. Criteria: Myriad Autosomal Dominant, Autosomal Recessive and X-Linked Classification Criteria (2023). Collection method: clinical testing. Allele origin: unknown.
Comment: This variant is considered benign. This variant is a silent/synonymous amino acid change and it is not expected to impact splicing.

Ambry Genetics
Classification: Likely benign for Hereditary cancer-predisposing syndrome. Last evaluated: 2020-07-20. Review status: criteria provided, single submitter. Criteria: Ambry Variant Classification Scheme 2023. Collection method: clinical testing. Allele origin: germline.

NM_001370259.2(MEN1):c.1083C>T (p.Tyr361=)

Gene: MEN1 (menin 1; minus strand). Cytogenetic location: 11q13.1.
Variant type: single nucleotide variant.
Coding change: c.1083C>T on transcript NM_001370259.2 (MANE Select); coding-DNA position 1083, C replaced by T.
Protein change: p.Tyr361=; no amino-acid change (tyrosine 361 retained).
Molecular consequence: synonymous variant.
Genome position (GRCh38, 1-based): chr11:64,805,737, G>A on the plus strand (C>T on the coding strand, the complement: MEN1 is on the minus strand). VCF-style: chr11-64805737-G-A. GRCh37 (hg19) VCF-style: chr11-64573209-G-A.
Other names: c.978C>T, p.Tyr326= (NM_001370262.2, NM_001370263.2); c.1083C>T, p.Tyr361= (NM_130799.3, NM_001370260.2, NM_001370261.2); c.1098C>T, p.Tyr366= (NM_130800.3, NM_130801.3, NM_130802.3 and 3 more transcripts); c.1209C>T, p.Tyr403= (NM_001370251.2).
Identifiers: ClinVar variation 527294 (VCV000527294.14), dbSNP rs1168237114, ClinGen allele CA474983144.